The following is an entry in ClinVar:

NM_006852.6(TLK2):c.968+1G>A

Genes: TLK2 (tousled like kinase 2; plus strand), LOC126862611 (CDK7 strongly-dependent group 2 enhancer GRCh37_chr17:60642433-60643632; plus strand). Cytogenetic location: 17q23.2.
Variant type: single nucleotide variant.
Coding change: c.968+1G>A on transcript NM_006852.6 (MANE Select); the canonical splice donor site of the intron after coding-DNA position 968, G replaced by A.
Molecular consequence: splice donor variant.
Genome position (GRCh38, 1-based): chr17:62,565,138, G>A. VCF-style: chr17-62565138-G-A. GRCh37 (hg19) VCF-style: chr17-60642499-G-A.
Other names: c.968+1G>A (NM_001375271.1, NM_001375270.1, NM_001284333.3); c.521+1G>A (NM_001375273.1, NM_001330418.3); c.872+1G>A (NM_001375272.1, NM_001284363.1); c.683+1G>A (NM_001411074.1); c.1010+1G>A (NM_001375269.1).
Identifiers: ClinVar variation 828197 (VCV000828197.6), dbSNP rs1598620094, ClinGen allele CA400499963.

ClinVar aggregate classification (germline): Pathogenic/Likely pathogenic. Review status: criteria provided, multiple submitters, no conflicts (2 of 4 stars). 3 submissions from 3 submitters: Pathogenic (1); Likely pathogenic (1). 1 of the submissions does not count toward it. Last evaluated 2020-01-27.

Conditions:
TLK2-related neurodevelopmental disorder.
Intellectual developmental disorder, autosomal dominant 57. Also called: MENTAL RETARDATION, AUTOSOMAL DOMINANT 57; Intellectual disability, autosomal dominant 57. Identifiers: MedGen C4748003, MONDO:0054837, OMIM 618050.

Submissions (3):

Illumina Laboratory Services, Illumina
Classification: Likely pathogenic for TLK2-related neurodevelopmental disorder. Last evaluated: 2020-01-27. Review status: criteria provided, single submitter. Criteria: ICSLVariantClassificationCriteria RUGD 01 April 2020. Collection method: clinical testing. Allele origin: unknown.
Comment: The TLK2 c.968+1G>A variant occurs in a canonical splice site (donor) and is therefore predicted to disrupt or distort the normal gene product. A literature search was performed for the gene and cDNA change. No publications were found based on this search. This variant is not found in the Genome Aggregation Database in a region of good sequencing coverage, so the variant is presumed to be rare. Based on the consequence of the variant and absence from population frequency databases, the c.968+1G>A variant is classified as likely pathogenic for TLK2-related neurodevelopmental disorder.

HudsonAlpha Institute for Biotechnology
Classification: Pathogenic for Intellectual developmental disorder, autosomal dominant 57. Last evaluated: 2019-10-24. Review status: criteria provided, single submitter. Criteria: ACMG Guidelines, 2015. Collection method: research. Allele origin: de novo. Affected: yes. Observed: 1 variant allele. Study: HudsonAlpha-AGHI-WGS.

Solve-RD Consortium
Classification: Likely pathogenic for Intellectual developmental disorder, autosomal dominant 57. Last evaluated: 2022-06-01. Review status: no assertion criteria provided. Collection method: provider interpretation. Allele origin: inherited. Affected: yes. Not counted in ClinVar's aggregate classification.
Comment: Variant confirmed as disease-causing by referring clinical team

Variant identified during reanalysis of unsolved cases by the Solve-RD project. The Solve-RD project has received funding from the European Union’s Horizon 2020 research and innovation programme under grant agreement No 779257.

Literature cited by the submitters: PubMed 39825153 (cited by Solve-RD Consortium).